The following is an entry in ClinVar:

NM_002206.3(ITGA7):c.2761C>T (p.Gln921Ter)

Gene: ITGA7 (integrin subunit alpha 7; minus strand). Cytogenetic location: 12q13.2.
Variant type: single nucleotide variant.
Coding change: c.2761C>T on transcript NM_002206.3 (MANE Select); coding-DNA position 2761, C replaced by T.
Protein change: p.Gln921Ter; replaces glutamine 921 with a stop codon.
Molecular consequence: nonsense.
Genome position (GRCh38, 1-based): chr12:55,692,927, G>A on the plus strand (C>T on the coding strand, the complement: ITGA7 is on the minus strand). VCF-style: chr12-55692927-G-A. GRCh37 (hg19) VCF-style: chr12-56086711-G-A.
Other names: c.2773C>T, p.Gln925Ter (NM_001144996.2); c.2482C>T, p.Gln828Ter (NM_001144997.2); c.2434C>T, p.Gln812Ter (NM_001367993.1); c.1417C>T, p.Gln473Ter (NM_001367994.1); c.2743C>T, p.Gln915Ter (NM_001374465.1); c.2893C>T, p.Gln965Ter (NM_001410977.1); c.2755C>T, p.Gln919Ter (NM_001414029.1); c.2686C>T, p.Gln896Ter (NM_001414030.1); and 5 more; short protein forms Q828*, Q921*, Q812*, Q925*, Q473*, Q915*, Q965*, Q881*.
Identifiers: ClinVar variation 546709 (VCV000546709.5), dbSNP rs767943997, ClinGen allele CA6615471.
Genomic context (GRCh38, chr12:55,692,927, plus strand): 5'-CAGCAGAGGACACTGGCCACCAGGACATGCTGGGCTCCTGCCGCTCACCAGGCTCCTGCT[G>A]CTCAGGTGGCTCCAGCTCCCGCCGCCTCCTATCCCTACTGTCCACATCCTGGACACGGAA-3'

ClinVar aggregate classification (germline): Likely pathogenic. Review status: criteria provided, multiple submitters, no conflicts (2 of 4 stars). 2 submissions from 2 submitters: Likely pathogenic (2). Last evaluated 2025-08-06.

Allele frequency attached by ClinVar (database versions not stated): gnomAD exomes below 0.00001; ExAC 0.00001.
gnomAD v4.1: 2 of 1,614,056 alleles (0.00012%); highest among the groups gnomAD compares: Non-Finnish European, 0.00017%; no homozygotes.

Submissions (2):

Dasa
Classification: Likely pathogenic. Last evaluated: 2025-08-06. Review status: criteria provided, single submitter. Criteria: DASA Assertion Criteria. Collection method: clinical testing. Allele origin: germline.
Comment: NM_002206.3(ITGA7):c.2761C>T (p.Gln921*) is a nonsense variant in ITGA7 predicted to introduce a premature termination codon and is predicted to result in an absent or altered protein product. Loss of function is an established disease mechanism for ITGA7-associated disorders. Also, this variant is rare in population databases. Based on the currently available evidence, this variant is classified as likely pathogenic.

CeGaT Center for Human Genetics Tuebingen
Classification: Likely pathogenic. Last evaluated: 2018-03-31. Review status: criteria provided, single submitter. Criteria: Praxis fuer Humangenetik Tuebingen - Variant Classification Criteria. Collection method: clinical testing. Allele origin: germline. Affected: yes. Observed: 1 variant allele.